The following is an entry in ClinVar:

NM_004656.4(BAP1):c.203A>C (p.Asp68Ala)

Gene: BAP1 (BRCA1 associated deubiquitinase 1; minus strand). Cytogenetic location: 3p21.1.
Variant type: single nucleotide variant.
Coding change: c.203A>C on transcript NM_004656.4 (MANE Select); coding-DNA position 203, A replaced by C.
Protein change: p.Asp68Ala; replaces aspartic acid 68 with alanine.
Molecular consequence: missense variant.
Genome position (GRCh38, 1-based): chr3:52,408,526, T>G on the plus strand (A>C on the coding strand, the complement: BAP1 is on the minus strand). VCF-style: chr3-52408526-T-G. GRCh37 (hg19) VCF-style: chr3-52442542-T-G.
Other names: c.203A>C, p.Asp68Ala (NM_001410772.1); short protein forms D68A.
Identifiers: ClinVar variation 4756734 (VCV004756734.1).

ClinVar aggregate classification (germline): Uncertain significance (1 of 4 stars; one submission).

Conditions:
Hereditary cancer-predisposing syndrome. Also called: Tumor predisposition; Hereditary Cancer Syndrome; Neoplastic Syndromes, Hereditary; Hereditary neoplastic syndrome. Identifiers: Orphanet 140162, MedGen C0027672, MeSH D009386, MONDO:0015356.

Submission:

Color Diagnostics, LLC DBA Color Health
Classification: Uncertain significance for Hereditary cancer-predisposing syndrome. Last evaluated: 2025-05-12. Review status: criteria provided, single submitter. Criteria: ACMG Guidelines, 2015. Collection method: clinical testing. Allele origin: germline.
Comment: This missense variant replaces aspartic acid with alanine at codon 68 of the BAP1 protein. Computational prediction suggests that this variant may not impact protein structure and function. To our knowledge, functional studies have not been reported for this variant. This variant has not been reported in individuals affected with BAP1-related disorders in the literature. This variant has not been identified in the general population by the Genome Aggregation Database (gnomAD). The available evidence is insufficient to determine the role of this variant in disease conclusively. Therefore, this variant is classified as a Variant of Uncertain Significance.